The following is an entry in ClinVar:

ClinVar aggregate classification (germline): Pathogenic (1 of 4 stars; one submission).

Conditions:
Peroxisome biogenesis disorder. Identifiers: Orphanet 79189, MedGen C1832200, MONDO:0019234. Disease mechanism: loss of function.

Submission:

Myriad Genetics, Inc.
Classification: Pathogenic for Peroxisome biogenesis disorder. Last evaluated: 2023-09-27. Review status: criteria provided, single submitter. Criteria: Myriad Autosomal Dominant, Autosomal Recessive and X-Linked Classification Criteria (2023). Collection method: clinical testing. Allele origin: unknown.
Comment: NM_153818.1(PEX10):c.89dupG(G31Rfs*20) is expected to be pathogenic in the context of peroxisome biogenesis disorder type 6. This variant is predicted to lead to an abnormal or absent protein product due to the creation of a premature termination codon in PEX10, a gene where loss-of-function variants are known to be pathogenic. Please note: this variant was assessed in the context of healthy population screening.

NM_002617.4(PEX10):c.89dup (p.Gly31fs)

Gene: PEX10 (peroxisomal biogenesis factor 10; minus strand). Cytogenetic location: 1p36.32.
Variant type: Duplication.
Coding change: c.89dup on transcript NM_002617.4 (MANE Select); coding-DNA position 89, one base duplicated (G; older notation c.89dupG).
Protein change: p.Gly31fs; shifts the reading frame from glycine 31.
Molecular consequence: frameshift variant. On other transcripts: intron variant (2).
Genome position (GRCh38, 1-based): chr1:2,412,414, C duplicated on the plus strand (G on the coding strand, the reverse complement: PEX10 is on the minus strand); the first of 3 consecutive C bases (chr1:2,412,414-2,412,416); duplicating any one gives the same sequence. VCF-style (leftmost placement, unchanged base first): chr1-2412413-G-GC. GRCh37 (hg19) VCF-style: chr1-2343852-G-GC.
Other names: c.89dup, p.Gly31fs (NM_001374425.1, NM_153818.2); c.-321+1183dup (NM_001374427.1, NM_001374426.1); short protein forms G31fs.
Identifiers: ClinVar variation 5012173 (VCV005012173.1).